The following is an entry in ClinVar:

ClinVar aggregate classification (germline): Pathogenic (1 of 4 stars; one submission).

Submission:

GeneDx
Classification: Pathogenic. Last evaluated: 2026-02-05. Review status: criteria provided, single submitter. Criteria: GeneDx Variant Classification Process June 2021. Collection method: clinical testing. Allele origin: germline.
Comment: Not observed at significant frequency in large population cohorts (gnomAD); In silico analysis supports that this missense variant has a deleterious effect on protein structure/function; In silico analysis is inconclusive as to whether the variant alters gene splicing. In the absence of RNA/functional studies, the actual effect of this sequence change is unknown.; Apparently de novo variant in an individual in a study of patients with neurodevelopmental disorders. Specific clinical information on this individual was not provided (PMID: 33994118); Expression studies found this variant reduces normal transcription repression activity (PMID: 41139958); This variant is associated with the following publications: (PMID: 33994118, 41139958)

NM_001172509.2(SATB2):c.1172A>G (p.Gln391Arg)

Gene: SATB2 (SATB homeobox 2; minus strand). Cytogenetic location: 2q33.1.
Variant type: single nucleotide variant.
Coding change: c.1172A>G on transcript NM_001172509.2 (MANE Select); coding-DNA position 1172, A replaced by G.
Protein change: p.Gln391Arg; replaces glutamine 391 with arginine.
Molecular consequence: missense variant.
Genome position (GRCh38, 1-based): chr2:199,348,702, T>C on the plus strand (A>G on the coding strand, the complement: SATB2 is on the minus strand). VCF-style: chr2-199348702-T-C. GRCh37 (hg19) VCF-style: chr2-200213425-T-C.
Other names: c.1172A>G, p.Gln391Arg (NM_001172517.1, NM_015265.4); short protein forms Q391R.
Identifiers: ClinVar variation 4888068 (VCV004888068.1).